The following is an entry in ClinVar:

NM_001011.4(RPS7):c.282T>A (p.Phe94Leu)

Gene: RPS7 (ribosomal protein S7; plus strand). Cytogenetic location: 2p25.3.
Variant type: single nucleotide variant.
Coding change: c.282T>A on transcript NM_001011.4 (MANE Select); coding-DNA position 282, T replaced by A.
Protein change: p.Phe94Leu; replaces phenylalanine 94 with leucine.
Molecular consequence: missense variant.
Genome position (GRCh38, 1-based): chr2:3,576,621, T>A. VCF-style: chr2-3576621-T-A. GRCh37 (hg19) VCF-style: chr2-3624211-T-A.
Other names: short protein forms F94L.
Identifiers: ClinVar variation 2918680 (VCV002918680.3), dbSNP rs761597333, ClinGen allele CA1516617.

ClinVar aggregate classification (germline): Uncertain significance (1 of 4 stars; one submission).

Conditions:
Diamond-Blackfan anemia 8 (DBA8). Also called: RPS7-Related Diamond-Blackfan Anemia. Identifiers: Orphanet 124, MedGen C2675511, MONDO:0012939, OMIM 612563.

Allele frequency attached by ClinVar (database versions not stated): ExAC 0.00001; gnomAD 0.00001.
gnomAD v4.1: 9 of 1,614,098 alleles (0.00056%); highest among the groups gnomAD compares: Admixed American, 0.0017%; no homozygotes.

Submission:

Labcorp Genetics (formerly Invitae), Labcorp
Classification: Uncertain significance for Diamond-Blackfan anemia 8. Last evaluated: 2023-09-05. Review status: criteria provided, single submitter. Criteria: Invitae Variant Classification Sherloc (09022015). Collection method: clinical testing. Allele origin: germline.
Comment: This sequence change replaces phenylalanine, which is neutral and non-polar, with leucine, which is neutral and non-polar, at codon 94 of the RPS7 protein (p.Phe94Leu). This variant is present in population databases (rs761597333, gnomAD 0.003%). This variant has not been reported in the literature in individuals affected with RPS7-related conditions. An algorithm developed to predict the effect of missense changes on protein structure and function (PolyPhen-2) suggests that this variant is likely to be tolerated. In summary, the available evidence is currently insufficient to determine the role of this variant in disease. Therefore, it has been classified as a Variant of Uncertain Significance.